The following is an entry in ClinVar:

ClinVar aggregate classification (germline): Likely benign. Review status: criteria provided, multiple submitters, no conflicts (2 of 4 stars). 2 submissions from 2 submitters: Likely benign (2). Last evaluated 2026-01-20.

Conditions:
Nemaline myopathy 2 (NEM2). Also called: Nemaline myopathy 2, autosomal recessive. Identifiers: MedGen C1850569, MONDO:0009725, OMIM 256030.

Allele frequency attached by ClinVar (database versions not stated): TOPMed 0.00001; gnomAD 0.00005; gnomAD exomes 0.00009 and 0.00016; ExAC 0.00011; 1000 Genomes Project 30x 0.00047; 1000 Genomes Project 0.00060.
gnomAD v4.1: 227 of 1,577,862 alleles (0.014%); highest among the groups gnomAD compares: East Asian, 0.5%; no homozygotes.

Submissions (2):

Labcorp Genetics (formerly Invitae), Labcorp
Classification: Likely benign for Nemaline myopathy 2. Last evaluated: 2026-01-20. Review status: criteria provided, single submitter. Criteria: Invitae Variant Classification Sherloc (09022015). Collection method: clinical testing. Allele origin: germline.

Illumina Laboratory Services, Illumina
Classification: Likely benign for Nemaline myopathy 2. Last evaluated: 2017-04-27. Review status: criteria provided, single submitter. Criteria: ICSL Variant Classification Criteria 13 December 2019. Collection method: clinical testing. Allele origin: germline.
Comment: This variant was observed as part of a predisposition screen in an ostensibly healthy population. A literature search was performed for the gene, cDNA change, and amino acid change (where applicable). No publications were found based on this search. Allele frequency data from public databases allowed determination this variant is unlikely to cause disease. Therefore, this variant is classified as likely benign.

NM_001164508.2(NEB):c.20893-11T>C

Gene: NEB (nebulin; minus strand). Cytogenetic location: 2q23.3.
Variant type: single nucleotide variant.
Coding change: c.20893-11T>C on transcript NM_001164508.2 (MANE Select); 11 bases into the intron before coding-DNA position 20893, T replaced by C.
Molecular consequence: intron variant.
Genome position (GRCh38, 1-based): chr2:151,538,255, A>G on the plus strand (T>C on the coding strand, the complement: NEB is on the minus strand). VCF-style: chr2-151538255-A-G. GRCh37 (hg19) VCF-style: chr2-152394769-A-G.
Other names: c.15790-11T>C (NM_004543.5); c.20893-11T>C (NM_001164507.2, NM_001271208.2).
Identifiers: ClinVar variation 893587 (VCV000893587.8), dbSNP rs201173663, ClinGen allele CA1907137.